The following is an entry in ClinVar:

NM_001101.5(ACTB):c.363+16C>T

Gene: ACTB (actin beta; minus strand). Cytogenetic location: 7p22.1.
Variant type: single nucleotide variant.
Coding change: c.363+16C>T on transcript NM_001101.5 (MANE Select); 16 bases into the intron after coding-DNA position 363, C replaced by T.
Molecular consequence: intron variant.
Genome position (GRCh38, 1-based): chr7:5,529,145, G>A on the plus strand (C>T on the coding strand, the complement: ACTB is on the minus strand). VCF-style: chr7-5529145-G-A. GRCh37 (hg19) VCF-style: chr7-5568776-G-A.
Other names: c.363+16C>T (LRG_132t1).
Identifiers: ClinVar variation 379757 (VCV000379757.12), dbSNP rs73332405, ClinGen allele CA4147099.

ClinVar aggregate classification (germline): Benign/Likely benign. Review status: criteria provided, multiple submitters, no conflicts (2 of 4 stars). 5 submissions from 4 submitters: Benign (4); Likely benign (1). Last evaluated 2026-02-03.

Conditions:
Baraitser-Winter syndrome 1 (BRWS1). Also called: BARAITSER-WINTER SYNDROME 1, ATYPICAL; PACHYGYRIA, MENTAL RETARDATION, EPILEPSY, AND CHARACTERISTIC FACIES; MENTAL RETARDATION WITH EPILEPSY AND CHARACTERISTIC FACIES; Cerebrofrontofacial syndrome. Identifiers: Orphanet 2649, Orphanet 2995, MedGen C1855722, MONDO:0009470, OMIM 243310.
Developmental malformations-deafness-dystonia syndrome (DDS1). Identifiers: Orphanet 79107, MedGen C5848323, MONDO:0011823, OMIM 607371.

Allele frequency attached by ClinVar (database versions not stated): gnomAD exomes 0.00098 and 0.00261; ExAC 0.00356; gnomAD 0.01052 and 0.01128; TOPMed 0.01161; 1000 Genomes Project 0.01258; ESP Exome Variant Server 0.01307; 1000 Genomes Project 30x 0.01530.

Submissions (5):

Labcorp Genetics (formerly Invitae), Labcorp
Classification: Benign for Baraitser-Winter syndrome 1. Last evaluated: 2026-02-03. Review status: criteria provided, single submitter. Criteria: Invitae Variant Classification Sherloc (09022015). Collection method: clinical testing. Allele origin: germline.

Genome-Nilou Lab
Classification: Benign for Baraitser-Winter syndrome 1. Last evaluated: 2021-12-05. Review status: criteria provided, single submitter. Criteria: ACMG Guidelines, 2015. Collection method: clinical testing. Allele origin: germline. Affected: no.

Genome-Nilou Lab
Classification: Benign for Developmental malformations-deafness-dystonia syndrome. Last evaluated: 2021-12-05. Review status: criteria provided, single submitter. Criteria: ACMG Guidelines, 2015. Collection method: clinical testing. Allele origin: germline. Affected: no.

Center for Pediatric Genomic Medicine, Children's Mercy Hospital and Clinics
Classification: Likely benign. Last evaluated: 2017-08-28. Review status: criteria provided, single submitter. Criteria: ACMG Guidelines, 2015. Collection method: clinical testing. Allele origin: germline.

GeneDx
Classification: Benign. Last evaluated: 2016-01-19. Review status: criteria provided, single submitter. Criteria: GeneDx Variant Classification (06012015). Collection method: clinical testing. Allele origin: germline. Affected: yes.
Comment: This variant is considered likely benign or benign based on one or more of the following criteria: it is a conservative change, it occurs at a poorly conserved position in the protein, it is predicted to be benign by multiple in silico algorithms, and/or has population frequency not consistent with disease.